The following is an entry in ClinVar:

NM_022897.5(RANBP17):c.506C>G (p.Pro169Arg)

Gene: RANBP17 (RAN binding protein 17; plus strand). Cytogenetic location: 5q35.1.
Variant type: single nucleotide variant.
Coding change: c.506C>G on transcript NM_022897.5 (MANE Select); coding-DNA position 506, C replaced by G.
Protein change: p.Pro169Arg; replaces proline 169 with arginine.
Molecular consequence: missense variant.
Genome position (GRCh38, 1-based): chr5:170,909,677, C>G. VCF-style: chr5-170909677-C-G. GRCh37 (hg19) VCF-style: chr5-170336681-C-G.
Other names: short protein forms P169R.
Identifiers: ClinVar variation 2656071 (VCV002656071.24), dbSNP rs139178386, ClinGen allele CA3557139.
Genomic context (GRCh38, chr5:170,909,677, plus strand): 5'-TTTTCATAGGTCTGGTTAAACTAATTTCATCTTTATCTTTTTAGGTTGATTATTCTAGAC[C>G]TTCAGCAAAACACAGGAAAATAGCTACCTCATTTCGTGATACTTCTCTCAAAGACGTTTT-3'
Protein context (NP_075048.1, residues 159-179): QEMNLVDYSR[Pro169Arg]SAKHRKIATS

ClinVar aggregate classification (germline): Likely benign (1 of 4 stars; one submission).

Allele frequency attached by ClinVar (database versions not stated): gnomAD 0.00092; ExAC 0.00102; ESP Exome Variant Server 0.00139; 1000 Genomes Project 0.00140; 1000 Genomes Project 30x 0.00141.
gnomAD v4.1: 1,992 of 1,572,190 alleles (0.13%); highest among the groups gnomAD compares: Admixed American, 0.15%; 3 homozygotes.

Submission:

CeGaT Center for Human Genetics Tuebingen
Classification: Likely benign. Last evaluated: 2023-07-01. Review status: criteria provided, single submitter. Criteria: CeGaT Center For Human Genetics Tuebingen Variant Classification Criteria Version 2. Collection method: clinical testing. Allele origin: germline. Affected: yes. Observed: 1 variant allele.
Comment: RANBP17: BP4